The following is an entry in ClinVar:

ClinVar aggregate classification (germline): Uncertain significance (1 of 4 stars; one submission).

Allele frequency attached by ClinVar (database versions not stated): gnomAD exomes 0.00001 and 0.00002; ExAC 0.00002; gnomAD 0.00002 and 0.00003; TOPMed 0.00002; 1000 Genomes Project 30x 0.00016; 1000 Genomes Project 0.00020.
gnomAD v4.1: 23 of 1,614,074 alleles (0.0014%); highest among the groups gnomAD compares: Non-Finnish European, 0.0013%; no homozygotes.

Submission:

Labcorp Genetics (formerly Invitae), Labcorp
Classification: Uncertain significance. Last evaluated: 2024-03-31. Review status: criteria provided, single submitter. Criteria: Invitae Variant Classification Sherloc (09022015). Collection method: clinical testing. Allele origin: germline.
Comment: This sequence change replaces glycine, which is neutral and non-polar, with serine, which is neutral and polar, at codon 94 of the ARSG protein (p.Gly94Ser). This variant is present in population databases (rs199908350, gnomAD 0.01%). This variant has not been reported in the literature in individuals affected with ARSG-related conditions. ClinVar contains an entry for this variant (Variation ID: 971432). Advanced modeling of protein sequence and biophysical properties (such as structural, functional, and spatial information, amino acid conservation, physicochemical variation, residue mobility, and thermodynamic stability) performed at Invitae indicates that this missense variant is expected to disrupt ARSG protein function with a positive predictive value of 80%. In summary, the available evidence is currently insufficient to determine the role of this variant in disease. Therefore, it has been classified as a Variant of Uncertain Significance.

NM_001267727.2(ARSG):c.280G>A (p.Gly94Ser)

Gene: ARSG (arylsulfatase G; plus strand). Cytogenetic location: 17q24.2.
Variant type: single nucleotide variant.
Coding change: c.280G>A on transcript NM_001267727.2 (MANE Select); coding-DNA position 280, G replaced by A.
Protein change: p.Gly94Ser; replaces glycine 94 with serine.
Molecular consequence: missense variant.
Genome position (GRCh38, 1-based): chr17:68,343,665, G>A. VCF-style: chr17-68343665-G-A. GRCh37 (hg19) VCF-style: chr17-66339806-G-A.
Other names: c.280G>A, p.Gly94Ser (NM_001352899.2, NM_001352900.2, NM_001352901.2 and 9 more transcripts); short protein forms G94S.
Identifiers: ClinVar variation 971432 (VCV000971432.9), dbSNP rs199908350, ClinGen allele CA8728153.